The following is an entry in ClinVar:

NM_007254.4(PNKP):c.910_912del (p.Lys304del)

Gene: PNKP (polynucleotide kinase 3'-phosphatase; minus strand). Cytogenetic location: 19q13.33.
Variant type: Deletion.
Coding change: c.910_912del on transcript NM_007254.4 (MANE Select); coding-DNA positions 910 to 912, 3 bases deleted (AAA; older notation c.910_912delAAA).
Protein change: p.Lys304del; deletes lysine 304.
Molecular consequence: inframe deletion.
Genome position (GRCh38, 1-based): chr19:49,862,562-49,862,564, TTT deleted on the plus strand (AAA on the coding strand, the reverse complement: PNKP is on the minus strand). VCF-style (leftmost placement, unchanged base first): chr19-49862561-CTTT-C. GRCh37 (hg19) VCF-style: chr19-50365818-CTTT-C.
Other names: short protein forms K304del.
Identifiers: ClinVar variation 1420313 (VCV001420313.8), dbSNP rs2122328280, ClinGen allele CA2573156621.
Genomic context (GRCh38, chr19:49,862,561, plus strand): 5'-TCGGGCTCGGGCGCGGGGCAGGGGGCAGGGGCCTCACCAGGCGATCGGCGCAGGAGAAGT[CTTT>C]CTTCTTCCGCCCCGGGGCCCAGTTGGCCGGGCGTCCGGCTGCGTCTGGAACACACGGGAC-3'

ClinVar aggregate classification (germline): Uncertain significance (1 of 4 stars; one submission).

Conditions:
Developmental and epileptic encephalopathy, 12 (DEE12). Identifiers: MedGen C3150988, MONDO:0013389, OMIM 613722.

Submission:

Labcorp Genetics (formerly Invitae), Labcorp
Classification: Uncertain significance for Developmental and epileptic encephalopathy, 12. Last evaluated: 2021-04-09. Review status: criteria provided, single submitter. Criteria: Invitae Variant Classification Sherloc (09022015). Collection method: clinical testing. Allele origin: germline.
Comment: Experimental studies and prediction algorithms are not available or were not evaluated, and the functional significance of this variant is currently unknown. In summary, the available evidence is currently insufficient to determine the role of this variant in disease. Therefore, it has been classified as a Variant of Uncertain Significance. This variant has not been reported in the literature in individuals with PNKP-related conditions. This variant is not present in population databases (ExAC no frequency). This variant, c.910_912del, results in the deletion of 1 amino acid(s) of the PNKP protein (p.Lys304del), but otherwise preserves the integrity of the reading frame.